The following is an entry in ClinVar:

ClinVar aggregate classification (germline): Uncertain significance (1 of 4 stars; one submission).

Conditions:
Inborn genetic diseases. Identifiers: MedGen C0950123, MeSH D030342.

Allele frequency attached by ClinVar (database versions not stated): gnomAD 0.00001; TOPMed 0.00001.
gnomAD v4.1: 2 of 1,614,072 alleles (0.00012%); highest among the groups gnomAD compares: African/African-American, 0.0013%; no homozygotes.

Submission:

Ambry Genetics
Classification: Uncertain significance for Inborn genetic diseases. Last evaluated: 2022-07-05. Review status: criteria provided, single submitter. Criteria: Ambry Variant Classification Scheme 2023. Collection method: clinical testing. Allele origin: germline.
Comment: The p.Q306H variant (also known as c.918G>C), located in coding exon 8 of the EPAS1 gene, results from a G to C substitution at nucleotide position 918. The glutamine at codon 306 is replaced by histidine, an amino acid with highly similar properties. This amino acid position is conserved. In addition, the in silico prediction for this alteration is inconclusive. Since supporting evidence is limited at this time, the clinical significance of this alteration remains unclear.

NM_001430.5(EPAS1):c.918G>C (p.Gln306His)

Gene: EPAS1 (endothelial PAS domain protein 1; plus strand). Cytogenetic location: 2p21.
Variant type: single nucleotide variant.
Coding change: c.918G>C on transcript NM_001430.5 (MANE Select); coding-DNA position 918, G replaced by C.
Protein change: p.Gln306His; replaces glutamine 306 with histidine.
Molecular consequence: missense variant.
Genome position (GRCh38, 1-based): chr2:46,375,721, G>C. VCF-style: chr2-46375721-G-C. GRCh37 (hg19) VCF-style: chr2-46602860-G-C.
Other names: short protein forms Q306H.
Identifiers: ClinVar variation 1766111 (VCV001766111.2), dbSNP rs1190116659, ClinGen allele CA346702677.
Genomic context (GRCh38, chr2:46,375,721, plus strand): 5'-TAAGCTCAGCTCTGTTTCTCCTCCCCTAGTGTGCACCAAGGGTCAGGTAGTAAGTGGCCA[G>C]TACCGGATGCTCGCAAAGCATGGGGGCTACGTGTGGCTGGAGACCCAGGGGACGGTCATC-3'
Protein context (NP_001421.2, residues 296-316): LCTKGQVVSG[Gln306His]YRMLAKHGGY